The following is an entry in ClinVar:

NM_000540.3(RYR1):c.11516+9G>A

Gene: RYR1 (ryanodine receptor 1; plus strand). Cytogenetic location: 19q13.2.
Variant type: single nucleotide variant.
Coding change: c.11516+9G>A on transcript NM_000540.3 (MANE Select); 9 bases into the intron after coding-DNA position 11516, G replaced by A.
Molecular consequence: intron variant.
Genome position (GRCh38, 1-based): chr19:38,535,401, G>A. VCF-style: chr19-38535401-G-A. GRCh37 (hg19) VCF-style: chr19-39026041-G-A.
Other names: c.11501+9G>A (NM_001042723.2).
Identifiers: ClinVar variation 1616726 (VCV001616726.10), dbSNP rs370432370, ClinGen allele CA633066949.

ClinVar aggregate classification (germline): Likely benign. Review status: criteria provided, multiple submitters, no conflicts (2 of 4 stars). 2 submissions from 2 submitters: Likely benign (2). Last evaluated 2025-03-31.

Conditions:
RYR1-related disorder. Also called: RYR1-related condition; RYR1-related disorders. Identifiers: MedGen CN239331.

gnomAD v4.1: 11 of 1,607,956 alleles (0.00068%); highest among the groups gnomAD compares: East Asian, 0.0067%; no homozygotes.

Submissions (2):

Labcorp Genetics (formerly Invitae), Labcorp
Classification: Likely benign for RYR1-related disorder. Last evaluated: 2025-03-31. Review status: criteria provided, single submitter. Criteria: Invitae Variant Classification Sherloc (09022015). Collection method: clinical testing. Allele origin: germline.

Women's Health and Genetics/Laboratory Corporation of America, LabCorp
Classification: Likely benign. Last evaluated: 2024-04-09. Review status: criteria provided, single submitter. Criteria: LabCorp Variant Classification Summary - May 2015. Collection method: clinical testing. Allele origin: germline.
Comment: Variant summary: RYR1 c.11516+9G>A alters a non-conserved nucleotide located at a position not widely known to affect splicing. Consensus agreement among computation tools predict no significant impact on normal splicing. However, these predictions have yet to be confirmed by functional studies. The variant was absent in 251464 control chromosomes (gnomAD). The available data on variant occurrences in the general population are insufficient to allow any conclusion about variant significance. To our knowledge, no occurrence of c.11516+9G>A in individuals affected with Myopathy, RYR1-Associated and no experimental evidence demonstrating its impact on protein function have been reported. ClinVar contains an entry for this variant (Variation ID: 1616726). Based on the evidence outlined above, the variant was classified as likely benign.